The following is an entry in ClinVar:

NM_020964.3(EPG5):c.533G>A (p.Ser178Asn)

Gene: EPG5 (ectopic P-granules 5 autophagy tethering factor; minus strand). Cytogenetic location: 18q21.1.
Variant type: single nucleotide variant.
Coding change: c.533G>A on transcript NM_020964.3 (MANE Select); coding-DNA position 533, G replaced by A.
Protein change: p.Ser178Asn; replaces serine 178 with asparagine.
Molecular consequence: missense variant.
Genome position (GRCh38, 1-based): chr18:45,954,869, C>T on the plus strand (G>A on the coding strand, the complement: EPG5 is on the minus strand). VCF-style: chr18-45954869-C-T. GRCh37 (hg19) VCF-style: chr18-43534835-C-T.
Other names: short protein forms S178N.
Identifiers: ClinVar variation 1435895 (VCV001435895.5), dbSNP rs1202088395, ClinGen allele CA402351520.

ClinVar aggregate classification (germline): Uncertain significance (1 of 4 stars; one submission).

Conditions:
Vici syndrome (VICIS). Identifiers: Orphanet 1493, MedGen C1855772, MONDO:0009452, OMIM 242840.

Allele frequency attached by ClinVar (database versions not stated): TOPMed below 0.00001; gnomAD 0.00001.
gnomAD v4.1: 1 of 1,614,036 alleles (0.000062%); highest among the groups gnomAD compares: Non-Finnish European, 0.000085%; no homozygotes.

Submission:

Labcorp Genetics (formerly Invitae), Labcorp
Classification: Uncertain significance for Vici syndrome. Last evaluated: 2023-08-04. Review status: criteria provided, single submitter. Criteria: Invitae Variant Classification Sherloc (09022015). Collection method: clinical testing. Allele origin: germline.
Comment: In summary, the available evidence is currently insufficient to determine the role of this variant in disease. Therefore, it has been classified as a Variant of Uncertain Significance. Advanced modeling of protein sequence and biophysical properties (such as structural, functional, and spatial information, amino acid conservation, physicochemical variation, residue mobility, and thermodynamic stability) performed at Invitae indicates that this missense variant is not expected to disrupt EPG5 protein function. ClinVar contains an entry for this variant (Variation ID: 1435895). This variant has not been reported in the literature in individuals affected with EPG5-related conditions. This variant is not present in population databases (gnomAD no frequency). This sequence change replaces serine, which is neutral and polar, with asparagine, which is neutral and polar, at codon 178 of the EPG5 protein (p.Ser178Asn).